The following is an entry in ClinVar:

NM_016203.4(PRKAG2):c.232T>A (p.Ser78Thr)

Gene: PRKAG2 (protein kinase AMP-activated non-catalytic subunit gamma 2; minus strand). Cytogenetic location: 7q36.1.
Variant type: single nucleotide variant.
Coding change: c.232T>A on transcript NM_016203.4 (MANE Select); coding-DNA position 232, T replaced by A.
Protein change: p.Ser78Thr; replaces serine 78 with threonine.
Molecular consequence: missense variant. On other transcripts: intron variant (1).
Genome position (GRCh38, 1-based): chr7:151,781,386, A>T on the plus strand (T>A on the coding strand, the complement: PRKAG2 is on the minus strand). VCF-style: chr7-151781386-A-T. GRCh37 (hg19) VCF-style: chr7-151478472-A-T.
Other names: c.100T>A, p.Ser34Thr (NM_001040633.2, NM_001407024.1, NM_001407026.1 and 2 more transcripts); c.232T>A, p.Ser78Thr (NM_001407021.1, NM_001407022.1, NM_001407023.1 and 2 more transcripts); c.148+33030T>A (NM_001407032.1); short protein forms S34T, S78T.
Identifiers: ClinVar variation 3425032 (VCV003425032.1).

ClinVar aggregate classification (germline): Uncertain significance (1 of 4 stars; one submission).

Conditions:
Cardiovascular phenotype. Identifiers: MedGen CN230736.

Submission:

Ambry Genetics
Classification: Uncertain significance for Cardiovascular phenotype. Last evaluated: 2024-10-28. Review status: criteria provided, single submitter. Criteria: Ambry Variant Classification Scheme 2023. Collection method: clinical testing. Allele origin: germline.
Comment: The p.S78T variant (also known as c.232T>A), located in coding exon 3 of the PRKAG2 gene, results from a T to A substitution at nucleotide position 232. The serine at codon 78 is replaced by threonine, an amino acid with similar properties. This amino acid position is conserved. In addition, this alteration is predicted to be tolerated by in silico analysis. Based on the available evidence, the clinical significance of this variant remains unclear.